The following is an entry in ClinVar:

ClinVar aggregate classification (germline): Uncertain significance (1 of 4 stars; one submission).

Conditions:
Brugada syndrome 8 (BRGDA8). Identifiers: Orphanet 130, MedGen C2751083, MONDO:0013148, OMIM 613123.
Sick sinus syndrome 2, autosomal dominant (SSS2). Also called: SICK SINUS SYNDROME 2; SICK SINUS SYNDROME 2 WITH OR WITHOUT CARDIAC NONCOMPACTION AND/OR ASCENDING AORTA DILATION; ATRIAL FIBRILLATION WITH BRADYARRHYTHMIA; SINUS BRADYCARDIA SYNDROME, FAMILIAL, AUTOSOMAL DOMINANT; SINUS NODE DISEASE, FAMILIAL, AUTOSOMAL DOMINANT. Identifiers: Orphanet 166282, MedGen C1834144, MONDO:0008102, OMIM 163800.

gnomAD v4.1: 1 of 1,526,614 alleles (0.000066%); no homozygotes.

Submission:

Labcorp Genetics (formerly Invitae), Labcorp
Classification: Uncertain significance for Brugada syndrome 8. Last evaluated: 2023-02-08. Review status: criteria provided, single submitter. Criteria: Invitae Variant Classification Sherloc (09022015). Collection method: clinical testing. Allele origin: germline.
Comment: In summary, the available evidence is currently insufficient to determine the role of this variant in disease. Therefore, it has been classified as a Variant of Uncertain Significance. Advanced modeling of protein sequence and biophysical properties (such as structural, functional, and spatial information, amino acid conservation, physicochemical variation, residue mobility, and thermodynamic stability) performed at Invitae indicates that this missense variant is not expected to disrupt HCN4 protein function. ClinVar contains an entry for this variant (Variation ID: 470660). This variant has not been reported in the literature in individuals affected with HCN4-related conditions. This variant is not present in population databases (gnomAD no frequency). This sequence change replaces glycine, which is neutral and non-polar, with glutamic acid, which is acidic and polar, at codon 953 of the HCN4 protein (p.Gly953Glu).

NM_005477.3(HCN4):c.2858G>A (p.Gly953Glu)

Gene: HCN4 (hyperpolarization activated cyclic nucleotide gated potassium channel 4; minus strand). Cytogenetic location: 15q24.1.
Variant type: single nucleotide variant.
Coding change: c.2858G>A on transcript NM_005477.3 (MANE Select); coding-DNA position 2858, G replaced by A.
Protein change: p.Gly953Glu; replaces glycine 953 with glutamic acid.
Molecular consequence: missense variant.
Genome position (GRCh38, 1-based): chr15:73,323,235, C>T on the plus strand (G>A on the coding strand, the complement: HCN4 is on the minus strand). VCF-style: chr15-73323235-C-T. GRCh37 (hg19) VCF-style: chr15-73615576-C-T.
Other names: short protein forms G953E.
Identifiers: ClinVar variation 470660 (VCV000470660.10), dbSNP rs1555475226, ClinGen allele CA393087270.
Genomic context (GRCh38, chr15:73,323,235, plus strand): 5'-CCGGGGCTAGATGACGGGGATCTGGATGAGGGTGGGGGTGGCAGGAAGTGCTCCGGGAGT[C>T]CCAGGCCTCCCCGGGCCCCGGGTGGCGCGGGAGATGGCTGGGCAGCCTGCGGGGAGCGGG-3'
Protein context (NP_005468.1, residues 943-963): PAPPGARGGL[Gly953Glu]LPEHFLPPPP